The following is an entry in ClinVar:

ClinVar aggregate classification (germline): Uncertain significance (1 of 4 stars; one submission).

gnomAD v4.1: 2 of 1,612,898 alleles (0.00012%); highest among the groups gnomAD compares: East Asian, 0.0022%; no homozygotes.

Submission:

GeneDx
Classification: Uncertain significance. Last evaluated: 2025-07-26. Review status: criteria provided, single submitter. Criteria: GeneDx Variant Classification Process June 2021. Collection method: clinical testing. Allele origin: germline. Affected: yes.
Comment: Not observed at significant frequency in large population cohorts (gnomAD); In silico analysis suggests that this missense variant does not alter protein structure/function; Has not been previously published as pathogenic or benign to our knowledge

NM_001009944.3(PKD1):c.11344G>C (p.Asp3782His)

Genes: PKD1 (polycystin 1, transient receptor potential channel interacting; minus strand), PKD1-AS1 (PKD1 antisense RNA 1; plus strand). Cytogenetic location: 16p13.3.
Variant type: single nucleotide variant.
Coding change: c.11344G>C on transcript NM_001009944.3 (MANE Select); coding-DNA position 11344, G replaced by C.
Protein change: p.Asp3782His; replaces aspartic acid 3782 with histidine.
Molecular consequence: missense variant.
Genome position (GRCh38, 1-based): chr16:2,092,114, C>G on the plus strand (G>C on the coding strand, the complement: PKD1 is on the minus strand). VCF-style: chr16-2092114-C-G. GRCh37 (hg19) VCF-style: chr16-2142115-C-G.
Other names: c.11341G>C, p.Asp3781His (NM_000296.4); short protein forms D3781H, D3782H.
Identifiers: ClinVar variation 4689822 (VCV004689822.1).